The following is an entry in ClinVar:

ClinVar aggregate classification (germline): Conflicting classifications of pathogenicity. Review status: criteria provided, conflicting classifications (1 of 4 stars). 2 submissions from 2 submitters: Likely pathogenic (1); Uncertain significance (1). Last evaluated 2025-06-30.

Conditions:
Neurofibromatosis, type 1 (NF1). Also called: Peripheral type neurofibromatosis; Neurofibromatosis, type I; NEUROFIBROMATOSIS, TYPE I, SOMATIC; VON RECKLINGHAUSEN DISEASE. Identifiers: Orphanet 636, MedGen C0027831, MONDO:0018975, OMIM 162200. Disease mechanism: loss of function.
Hereditary cancer-predisposing syndrome. Also called: Hereditary Cancer Syndrome; Neoplastic Syndromes, Hereditary; Hereditary neoplastic syndrome; Tumor predisposition. Identifiers: Orphanet 140162, MedGen C0027672, MeSH D009386, MONDO:0015356.
Cardiovascular phenotype. Identifiers: MedGen CN230736.

Submissions (2):

Labcorp Genetics (formerly Invitae), Labcorp
Classification: Uncertain significance for Neurofibromatosis, type 1. Last evaluated: 2025-06-30. Review status: criteria provided, single submitter. Criteria: Invitae Variant Classification Sherloc (09022015). Collection method: clinical testing. Allele origin: germline.
Comment: This sequence change falls in intron 21 of the NF1 gene. It does not directly change the encoded amino acid sequence of the NF1 protein. It affects a nucleotide within the consensus splice site. This variant is not present in population databases (gnomAD no frequency). This variant has not been reported in the literature in individuals affected with NF1-related conditions. ClinVar contains an entry for this variant (Variation ID: 821887). Variants that disrupt the consensus splice site are a relatively common cause of aberrant splicing (PMID: 17576681, 9536098). Algorithms developed to predict the effect of sequence changes on RNA splicing suggest that this variant may disrupt the consensus splice site. In summary, the available evidence is currently insufficient to determine the role of this variant in disease. Therefore, it has been classified as a Variant of Uncertain Significance.

Ambry Genetics
Classification: Likely pathogenic for Cardiovascular phenotype; Hereditary cancer-predisposing syndrome. Last evaluated: 2018-08-13. Review status: criteria provided, single submitter. Criteria: Ambry Variant Classification Scheme 2023. Collection method: clinical testing. Allele origin: germline.
Comment: The c.2850_2850+2dupGGT variant results from a duplication of 3 nucleotides at the boundary of coding exon 21 and intron 21 of the NF1 gene. This nucleotide region is highly conserved in available vertebrate species. Using the BDGP and ESEfinder splice site prediction tools, this alteration is predicted to abolish the native donor splice site; however, direct evidence is unavailable. Alterations that disrupt the canonical splice site are expected to cause aberrant splicing, resulting in an abnormal protein or a transcript that is subject to nonsense-mediated mRNA decay. As such, this alteration is classified as likely pathogenic.

Literature cited by the submitters: PubMed 17576681 (cited by Labcorp Genetics (formerly Invitae), Labcorp); PubMed 9536098 (cited by Labcorp Genetics (formerly Invitae), Labcorp).

NM_001042492.3(NF1):c.2850_2850+2dup

Gene: NF1 (neurofibromin 1; plus strand). Cytogenetic location: 17q11.2.
Variant type: Duplication.
Coding change: c.2850_2850+2dup on transcript NM_001042492.3 (MANE Select); coding-DNA position 2850 through the canonical splice donor site of the intron after coding-DNA position 2850, 3 bases duplicated (GGT; older notation c.2850_2850+2dupGGT).
Molecular consequence: splice donor variant.
Genome position (GRCh38, 1-based): chr17:31,229,465-31,229,467, GGT duplicated. VCF-style (leftmost placement, unchanged base first): chr17-31229464-A-AGGT. GRCh37 (hg19) VCF-style: chr17-29556482-A-AGGT.
Other names: c.2850_2850+2dupGGT (NM_000267.3); c.2850_2850+2dup (NM_000267.4).
Identifiers: ClinVar variation 821887 (VCV000821887.5), dbSNP rs1597715874, ClinGen allele CA915949810.
Genomic context (GRCh38, chr17:31,229,464, plus strand): 5'-ATCCAATGCTATTTAACAAATTGAAGAATACCATCAGCAAGTTTTTTGACTCCCAAGGAC[A>AGGT]GGTAAAGTGTTCTCTTATTTTTCACCTTTCTCTATGAATAGAGTGACTTGTTTGAAATAA-3'